The following is an entry in ClinVar:

ClinVar aggregate classification (germline): Uncertain significance (1 of 4 stars; one submission).

Submission:

Labcorp Genetics (formerly Invitae), Labcorp
Classification: Uncertain significance. Last evaluated: 2024-12-16. Review status: criteria provided, single submitter. Criteria: Invitae Variant Classification Sherloc (09022015). Collection method: clinical testing. Allele origin: germline.
Comment: This sequence change replaces valine, which is neutral and non-polar, with alanine, which is neutral and non-polar, at codon 305 of the KATNB1 protein (p.Val305Ala). This variant is not present in population databases (gnomAD no frequency). This variant has not been reported in the literature in individuals affected with KATNB1-related conditions. ClinVar contains an entry for this variant (Variation ID: 2009000). Invitae Evidence Modeling of protein sequence and biophysical properties (such as structural, functional, and spatial information, amino acid conservation, physicochemical variation, residue mobility, and thermodynamic stability) indicates that this missense variant is not expected to disrupt KATNB1 protein function with a negative predictive value of 95%. In summary, the available evidence is currently insufficient to determine the role of this variant in disease. Therefore, it has been classified as a Variant of Uncertain Significance.

NM_005886.3(KATNB1):c.914T>C (p.Val305Ala)

Gene: KATNB1 (katanin regulatory subunit B1; plus strand). Cytogenetic location: 16q21.
Variant type: single nucleotide variant.
Coding change: c.914T>C on transcript NM_005886.3 (MANE Select); coding-DNA position 914, T replaced by C.
Protein change: p.Val305Ala; replaces valine 305 with alanine.
Molecular consequence: missense variant.
Genome position (GRCh38, 1-based): chr16:57,753,135, T>C. VCF-style: chr16-57753135-T-C. GRCh37 (hg19) VCF-style: chr16-57787047-T-C.
Other names: short protein forms V305A.
Identifiers: ClinVar variation 2009000 (VCV002009000.4), dbSNP rs2506915438, ClinGen allele CA396070112.